The following is an entry in ClinVar:

NM_145886.4(PIDD1):c.482C>T (p.Ser161Phe)

Gene: PIDD1 (p53-induced death domain protein 1; minus strand). Cytogenetic location: 11p15.5.
Variant type: single nucleotide variant.
Coding change: c.482C>T on transcript NM_145886.4 (MANE Select); coding-DNA position 482, C replaced by T.
Protein change: p.Ser161Phe; replaces serine 161 with phenylalanine.
Molecular consequence: missense variant.
Genome position (GRCh38, 1-based): chr11:803,401, G>A on the plus strand (C>T on the coding strand, the complement: PIDD1 is on the minus strand). VCF-style: chr11-803401-G-A. GRCh37 (hg19) VCF-style: chr11-803401-G-A.
Other names: c.482C>T, p.Ser161Phe (NM_145887.4); short protein forms S161F.
Identifiers: ClinVar variation 3056059 (VCV003056059.2), dbSNP rs61740131, ClinGen allele CA5790442.
Genomic context (GRCh38, chr11:803,401, plus strand): 5'-TTGTGTGTCACTGTGAGGAAGGTGAGGGCGGGGAGGGCCCCCAGAGCCTCAGGCAGCTCA[G>A]AGAGGCAGTTGTGAGACAGCAAGAGCGCACCCAGACCTCGCATCTGCAGGACACAGGCCG-3'
Protein context (NP_665893.2, residues 151-171): GALLLSHNCL[Ser161Phe]ELPEALGALP

ClinVar aggregate classification (germline): Benign (0 of 4 stars; one submission).

Conditions:
PIDD1-related disorder. Also called: PIDD1-related condition.

Allele frequency attached by ClinVar (database versions not stated): gnomAD exomes 0.01017; ExAC 0.01194; 1000 Genomes Project 0.02216; gnomAD 0.02317; 1000 Genomes Project 30x 0.02327; ESP Exome Variant Server 0.02561.

Submission:

PreventionGenetics, part of Exact Sciences
Classification: Benign for PIDD1-related condition. Last evaluated: 2019-03-01. Review status: no assertion criteria provided. Collection method: clinical testing. Allele origin: germline.
Comment: This variant is classified as benign based on ACMG/AMP sequence variant interpretation guidelines (Richards et al. 2015 PMID: 25741868, with internal and published modifications).